The following is an entry in ClinVar:

ClinVar aggregate classification (germline): Likely benign (1 of 4 stars; one submission).

gnomAD v4.1: 1 of 1,613,932 alleles (0.000062%); highest among the groups gnomAD compares: Non-Finnish European, 0.000085%; no homozygotes.

Submission:

CeGaT Center for Human Genetics Tuebingen
Classification: Likely benign. Last evaluated: 2024-12-01. Review status: criteria provided, single submitter. Criteria: CeGaT Center For Human Genetics Tuebingen Variant Classification Criteria Version 2. Collection method: clinical testing. Allele origin: germline. Affected: yes. Observed: 1 variant allele.
Comment: VPS13B: BP4, BP7

NM_152564.5(VPS13B):c.10665G>A (p.Val3555=)

Gene: VPS13B (vacuolar protein sorting 13 homolog B; plus strand). Cytogenetic location: 8q22.2.
Variant type: single nucleotide variant.
Coding change: c.10665G>A on transcript NM_152564.5 (MANE Select); coding-DNA position 10665, G replaced by A.
Protein change: p.Val3555=; no amino-acid change (valine 3555 retained).
Molecular consequence: synonymous variant.
Genome position (GRCh38, 1-based): chr8:99,854,054, G>A. VCF-style: chr8-99854054-G-A. GRCh37 (hg19) VCF-style: chr8-100866282-G-A.
Other names: c.10740G>A, p.Val3580= (NM_017890.5).
Identifiers: ClinVar variation 3772051 (VCV003772051.13).
Genomic context (GRCh38, chr8:99,854,054, plus strand): 5'-CCTCTCCGGGGGTAAACAGGTGTTGCCCATGCAGGTCACACAGCACGCCAGGGCCTTGGT[G>A]AATCCTGTGAAGTTACGGAAACTGGTGATCCAGCCAGTAAATTTGCTCGTCAGCATCCAC-3'
Protein context (NP_689777.3, residues 3545-3565): MQVTQHARAL[Val3555=]NPVKLRKLVI